The following is an entry in ClinVar:

NM_000264.5(PTCH1):c.2T>G (p.Met1Arg)

Genes: PTCH1 (patched 1; minus strand), LOC130002133 (ATAC-STARR-seq lymphoblastoid silent region 20071; plus strand). Cytogenetic location: 9q22.32.
Variant type: single nucleotide variant.
Coding change: c.2T>G on transcript NM_000264.5 (MANE Select); coding-DNA position 2, T replaced by G.
Protein change: p.Met1Arg; changes the start codon (methionine 1).
Molecular consequence: missense variant, initiator codon variant. On other transcripts: non-coding transcript variant (1), intron variant (3).
Genome position (GRCh38, 1-based): chr9:95,508,360, A>C on the plus strand (T>G on the coding strand, the complement: PTCH1 is on the minus strand). VCF-style: chr9-95508360-A-C. GRCh37 (hg19) VCF-style: chr9-98270642-A-C.
Other names: c.2T>G, p.Met1Arg (NM_001354918.2); c.199-1761T>G (NM_001083603.3); c.4-1761T>G (NM_001083602.3, NM_001354919.2); short protein forms M1R.
Identifiers: ClinVar variation 4076619 (VCV004076619.1).

ClinVar aggregate classification (germline): Pathogenic (1 of 4 stars; one submission).

Submission:

GeneDx
Classification: Pathogenic. Last evaluated: 2025-02-24. Review status: criteria provided, single submitter. Criteria: GeneDx Variant Classification Process June 2021. Collection method: clinical testing. Allele origin: germline. Affected: yes.
Comment: Initiation codon variant in a gene for which loss of function is a known mechanism of disease; Not observed at significant frequency in large population cohorts (gnomAD); Has not been previously published as pathogenic or benign to our knowledge